The following is an entry in ClinVar:

ClinVar aggregate classification (germline): Uncertain significance. Review status: criteria provided, multiple submitters, no conflicts (2 of 4 stars). 3 submissions from 3 submitters: Uncertain significance (3). Last evaluated 2026-04-14.

Conditions:
Juvenile polyposis syndrome (JPS). Identifiers: Orphanet 2929, MedGen C0345893, MONDO:0017380, OMIM 174900.
Hereditary cancer-predisposing syndrome. Also called: Tumor predisposition; Hereditary neoplastic syndrome; Neoplastic Syndromes, Hereditary; Hereditary Cancer Syndrome. Identifiers: Orphanet 140162, MedGen C0027672, MeSH D009386, MONDO:0015356.

Submissions (3):

Ambry Genetics
Classification: Uncertain significance for Hereditary cancer-predisposing syndrome. Last evaluated: 2026-04-14. Review status: criteria provided, single submitter. Criteria: Ambry Variant Classification Scheme 2023. Collection method: clinical testing. Allele origin: germline.
Comment: The p.G382C variant (also known as c.1144G>T), located in coding exon 8 of the BMPR1A gene, results from a G to T substitution at nucleotide position 1144. The glycine at codon 382 is replaced by cysteine, an amino acid with highly dissimilar properties. This amino acid position is highly conserved in available vertebrate species. In addition, this alteration is predicted to be deleterious by in silico analysis. Based on the available evidence, the clinical significance of this variant remains unclear.

All of Us Research Program, National Institutes of Health
Classification: Uncertain significance for Juvenile polyposis syndrome. Last evaluated: 2023-12-18. Review status: criteria provided, single submitter. Criteria: ACMG Guidelines, 2015. Collection method: clinical testing. Allele origin: germline. Inheritance: Autosomal dominant inheritance. Observed: 1 variant allele, 1 heterozygote.
Comment: This missense variant replaces glycine with cysteine at codon 382 of the BMPR1A protein. Computational prediction suggests that this variant may have deleterious impact on protein structure and function (internally defined REVEL score threshold >= 0.7, PMID: 27666373). To our knowledge, functional studies have not been reported for this variant. This variant has not been reported in individuals affected with BMPR1A-related disorders in the literature. This variant has not been identified in the general population by the Genome Aggregation Database (gnomAD). The available evidence is insufficient to determine the role of this variant in disease conclusively. Therefore, this variant is classified as a Variant of Uncertain Significance.

This study involves interpretation of variants in research participants for the purpose of population health screening. Participant phenotype was not available at the time of variant classification. Additional details can be found in publication PMID: 35346344, PMCID: PMC8962531

Labcorp Genetics (formerly Invitae), Labcorp
Classification: Uncertain significance for Juvenile polyposis syndrome. Last evaluated: 2023-08-01. Review status: criteria provided, single submitter. Criteria: Invitae Variant Classification Sherloc (09022015). Collection method: clinical testing. Allele origin: germline.
Comment: In summary, the available evidence is currently insufficient to determine the role of this variant in disease. Therefore, it has been classified as a Variant of Uncertain Significance. Advanced modeling of protein sequence and biophysical properties (such as structural, functional, and spatial information, amino acid conservation, physicochemical variation, residue mobility, and thermodynamic stability) performed at Invitae indicates that this missense variant is not expected to disrupt BMPR1A protein function. This variant has not been reported in the literature in individuals affected with BMPR1A-related conditions. This variant is not present in population databases (gnomAD no frequency). This sequence change replaces glycine, which is neutral and non-polar, with cysteine, which is neutral and slightly polar, at codon 382 of the BMPR1A protein (p.Gly382Cys).

NM_004329.3(BMPR1A):c.1144G>T (p.Gly382Cys)

Gene: BMPR1A (bone morphogenetic protein receptor type 1A; plus strand). Cytogenetic location: 10q23.2.
Variant type: single nucleotide variant.
Coding change: c.1144G>T on transcript NM_004329.3 (MANE Select); coding-DNA position 1144, G replaced by T.
Protein change: p.Gly382Cys; replaces glycine 382 with cysteine.
Molecular consequence: missense variant. On other transcripts: non-coding transcript variant (3).
Genome position (GRCh38, 1-based): chr10:86,919,447, G>T. VCF-style: chr10-86919447-G-T. GRCh37 (hg19) VCF-style: chr10-88679204-G-T.
Other names: c.1219G>T, p.Gly407Cys (NM_001406559.1); c.1192G>T, p.Gly398Cys (NM_001406560.1); c.1144G>T, p.Gly382Cys (NM_001406561.1, NM_001406562.1, NM_001406563.1 and 19 more transcripts); c.1138G>T, p.Gly380Cys (NM_001406583.1); c.1060G>T, p.Gly354Cys (NM_001406584.1, NM_001406585.1, NM_001406586.1 and 2 more transcripts); c.802G>T, p.Gly268Cys (NM_001406589.1); short protein forms G268C, G354C, G382C, G398C, G407C, G380C.
Identifiers: ClinVar variation 2748947 (VCV002748947.6), dbSNP rs2539623576, ClinGen allele CA377461049.